The following is an entry in ClinVar:

NM_025137.4(SPG11):c.1348dup (p.Ile450fs)

Gene: SPG11 (SPG11 vesicle trafficking associated, spatacsin; minus strand). Cytogenetic location: 15q21.1.
Variant type: Duplication.
Coding change: c.1348dup on transcript NM_025137.4 (MANE Select); coding-DNA position 1348, one base duplicated (A; older notation c.1348dupA).
Protein change: p.Ile450fs; shifts the reading frame from isoleucine 450.
Molecular consequence: frameshift variant.
Genome position (GRCh38, 1-based): chr15:44,651,599, T duplicated on the plus strand (A on the coding strand, the reverse complement: SPG11 is on the minus strand). VCF-style (leftmost placement, unchanged base first): chr15-44651598-A-AT. GRCh37 (hg19) VCF-style: chr15-44943796-A-AT.
Other names: c.1348dup, p.Ile450fs (NM_001160227.2); c.1348dupA (NM_025137.4); short protein forms I450fs.
Identifiers: ClinVar variation 241590 (VCV000241590.22), dbSNP rs312262725, ClinGen allele CA7535571.
Genomic context (GRCh38, chr15:44,651,598, plus strand): 5'-ATACACTTTGTGCCAAGGGAAAAACACTGCATGCCCTGGGTCTCCAAATCCCAGAGGGTA[A>AT]TGGTATAGCCCATCCTTTCCACTTCCCAAGTAAACAGTGCAGTGAATCCTGTCACAGACA-3'

ClinVar aggregate classification (germline): Pathogenic. Review status: criteria provided, multiple submitters, no conflicts (2 of 4 stars). 11 submissions from 11 submitters: Pathogenic (10). 1 of the submissions does not count toward it. Last evaluated 2026-04-06.

Conditions:
SPG11-related disorder. Also called: SPG11-related condition.
Charcot-Marie-Tooth disease axonal type 2X. Also called: CHARCOT-MARIE-TOOTH DISEASE, AXONAL, AUTOSOMAL RECESSIVE, TYPE 2X; CHARCOT-MARIE-TOOTH NEUROPATHY, TYPE 2X. Identifiers: Orphanet 466775, MedGen C5569024, MONDO:0014726, OMIM 616668.
Hereditary spastic paraplegia 11. Also called: Spastic Paraplegia 11; SPASTIC PARAPLEGIA, AUTOSOMAL RECESSIVE, COMPLICATED, WITH THIN CORPUS CALLOSUM; SPASTIC PARAPLEGIA, AUTOSOMAL RECESSIVE, WITH MENTAL IMPAIRMENT AND THIN CORPUS CALLOSUM; Spastic paraplegia, mental retardation and thin corpus callosum; Nakamura Osame syndrome; Autosomal recessive hereditary spastic paraplegia, mental impairment, and thin corpus callosum. Identifiers: Orphanet 2822, MedGen C1858479, MONDO:0011445, OMIM 604360.
Amyotrophic lateral sclerosis type 5 (ALS5). Also called: AMYOTROPHIC LATERAL SCLEROSIS 5, JUVENILE. Identifiers: Orphanet 300605, MedGen C1865864, MONDO:0011196, OMIM 602099.
Hereditary spastic paraplegia. Also called: Familial spastic paraparesis. Identifiers: Orphanet 685, MedGen C0037773, MONDO:0019064. Disease mechanism: loss of function.

Allele frequency attached by ClinVar (database versions not stated): gnomAD 0.00003 and 0.00004; TOPMed 0.00003; ExAC 0.00005; gnomAD exomes 0.00005 and 0.00011.

Submissions (11):

PreventionGenetics, part of Exact Sciences
Classification: Pathogenic for SPG11-related condition. Last evaluated: 2026-04-06. Review status: criteria provided, single submitter. Criteria: ACMG Guidelines, 2015. Collection method: clinical testing. Allele origin: germline.
Comment: The SPG11 c.1348dupA variant is predicted to result in a frameshift and premature protein termination (p.Ile450Asnfs*26). This variant has been reported in the compound heterozygous state in individuals with hereditary spastic paraplegia (Paison-Ruiz et al. 2008. PubMed ID: 18337587; Kara et al. 2016. PubMed ID: 27217339). This variant is reported in 0.010% of alleles in individuals of European (non-Finnish) descent in gnomAD. Frameshift variants in SPG11 are expected to be pathogenic, and this variant has been classified as pathogenic by multiple independent submitters to the ClinVar database (Variation ID: 241590). Given the evidence, we interpret c.1348dup (p.Ile450Asnfs*26) as pathogenic.

Labcorp Genetics (formerly Invitae), Labcorp
Classification: Pathogenic for Hereditary spastic paraplegia 11. Last evaluated: 2026-01-24. Review status: criteria provided, single submitter. Criteria: Invitae Variant Classification Sherloc (09022015). Collection method: clinical testing. Allele origin: germline.
Comment: This sequence change creates a premature translational stop signal (p.Ile450Asnfs*26) in the SPG11 gene. It is expected to result in an absent or disrupted protein product. Loss-of-function variants in SPG11 are known to be pathogenic (PMID: 19105190, 20110243, 22154821, 26556829). This variant is present in population databases (rs312262725, gnomAD 0.01%). This premature translational stop signal has been observed in individual(s) with hereditary spastic paraplegia (PMID: 18337587, 23443022, 27217339). This variant is also known as (p.I450NfxX475). ClinVar contains an entry for this variant (Variation ID: 241590). For these reasons, this variant has been classified as Pathogenic.

Fulgent Genetics
Classification: Pathogenic for Amyotrophic lateral sclerosis type 5; Hereditary spastic paraplegia 11; Charcot-Marie-Tooth disease axonal type 2X. Last evaluated: 2024-03-06. Review status: criteria provided, single submitter. Criteria: ACMG Guidelines, 2015. Collection method: clinical testing. Allele origin: germline.

Women's Health and Genetics/Laboratory Corporation of America, LabCorp
Classification: Pathogenic for Hereditary spastic paraplegia. Last evaluated: 2023-12-26. Review status: criteria provided, single submitter. Criteria: LabCorp Variant Classification Summary - May 2015. Collection method: clinical testing. Allele origin: germline.
Comment: Variant summary: SPG11 c.1348dupA (p.Ile450AsnfsX26) results in a premature termination codon, predicted to cause absence of the protein due to nonsense mediated decay, which is a commonly known mechanism for disease. The variant allele was found at a frequency of 5.2e-05 in 251466 control chromosomes (gnomAD). This frequency is not significantly higher than estimated for a pathogenic variant in SPG11 causing Hereditary Spastic Paraplegia, Type 11 (5.2e-05 vs 0.0011), allowing no conclusion about variant significance. c.1348dupA has been reported in the literature in individuals affected with Hereditary Spastic Paraplegia, Type 11 (e.g. Kara_2016). The following publication has been ascertained in the context of this evaluation (PMID: 27217339). Five submitters have cited clinical-significance assessments for this variant to ClinVar after 2014. All submitters classified the variant as pathogenic. Based on the evidence outlined above, the variant was classified as pathogenic.

Victorian Clinical Genetics Services, Murdoch Childrens Research Institute
Classification: Pathogenic for Hereditary spastic paraplegia 11. Last evaluated: 2023-07-17. Review status: criteria provided, single submitter. Criteria: ACMG Guidelines, 2015. Collection method: clinical testing. Allele origin: germline. Inheritance: Autosomal recessive inheritance. Affected: yes.
Comment: Based on the classification scheme VCGS_Germline_v1.3.4, this variant is classified as Pathogenic. Following criteria are met: 0102 - Loss of function is a known mechanism of disease in this gene and is associated with juvenile amyotrophic lateral sclerosis 5 (MIM#602099), Charcot-Marie-Tooth disease, axonal, type 2X (MIM#616668) and spastic paraplegia 11 (MIM#604360). The genotype-phenotype correlation is currently unestablished. (I) 0106 - This gene is associated with autosomal recessive disease. (I) 0115 - Variants in this gene are known to have variable expressivity. The same variant has been reported in individuals with different conditions (PMID: 30574063; PMID: 26556829). (I) 0201 - Variant is predicted to cause nonsense-mediated decay (NMD) and loss of protein (premature termination codon is located at least 54 nucleotides upstream of the final exon-exon junction). (SP) 0251 - This variant is heterozygous. (I) 0304 - Variant is present in gnomAD (v2) <0.01 for a recessive condition (14 heterozygotes, 0 homozygotes). (SP) 0701 - Other NMD-predicted variants comparable to the one identified in this case have very strong previous evidence for pathogenicity. These variants have been reported many times as pathogenic (DECIPHER). (SP) 0801 - This variant has strong previous evidence of pathogenicity in unrelated individuals. This variant has been reported multiple times as pathogenic, and has been observed in individuals with hereditary spastic paraplegia (ClinVar). (SP) 1208 - Inheritance information for this variant is not currently available in this individual. (I) Legend: (SP) - Supporting pathogenic, (I) - Information, (SB) - Supporting benign

GeneDx
Classification: Pathogenic. Last evaluated: 2023-04-28. Review status: criteria provided, single submitter. Criteria: GeneDx Variant Classification Process June 2021. Collection method: clinical testing. Allele origin: germline. Affected: yes.
Comment: Frameshift variant predicted to result in protein truncation or nonsense mediated decay in a gene for which loss-of-function is a known mechanism of disease; Not observed at a significant frequency in large population cohorts (gnomAD); This variant is associated with the following publications: (PMID: 23443022, 18337587, 27217339, 22237444, 31589614)

Blueprint Genetics
Classification: Pathogenic for SPG11-related disorders. Last evaluated: 2022-10-14. Review status: criteria provided, single submitter. Criteria: ACMG Guidelines, 2015. Collection method: clinical testing. Allele origin: germline. Affected: yes. Observed: 2 variant alleles.

AiLife Diagnostics
Classification: Pathogenic. Last evaluated: 2022-02-28. Review status: criteria provided, single submitter. Criteria: ACMG Guidelines, 2015. Collection method: clinical testing. Allele origin: germline. Affected: yes. Observed: 1 variant allele.

Athena Diagnostics
Classification: Pathogenic. Last evaluated: 2017-11-01. Review status: criteria provided, single submitter. Criteria: Athena Diagnostics Criteria. Collection method: clinical testing. Allele origin: germline.

Genome-Nilou Lab
Classification: Pathogenic for Hereditary spastic paraplegia 11. Review status: criteria provided, single submitter. Criteria: ACMG Guidelines, 2015. Collection method: clinical testing. Allele origin: germline.

Solve-RD Consortium
Classification: Likely pathogenic for Charcot-Marie-Tooth disease axonal type 2X. Last evaluated: 2022-06-01. Review status: no assertion criteria provided. Collection method: provider interpretation. Allele origin: inherited. Affected: yes. Not counted in ClinVar's aggregate classification.
Comment: Variant confirmed as disease-causing by referring clinical team

Variant identified during reanalysis of unsolved cases by the Solve-RD project. The Solve-RD project has received funding from the European Union’s Horizon 2020 research and innovation programme under grant agreement No 779257.

Literature cited by the submitters: PubMed 19105190 (cited by Labcorp Genetics (formerly Invitae), Labcorp); PubMed 20110243 (cited by Labcorp Genetics (formerly Invitae), Labcorp); PubMed 22154821 (cited by Labcorp Genetics (formerly Invitae), Labcorp); PubMed 26556829 (cited by Labcorp Genetics (formerly Invitae), Labcorp and Victorian Clinical Genetics Services, Murdoch Childrens Research Institute); PubMed 18337587 (cited by 3 submitters); PubMed 23443022 (cited by Labcorp Genetics (formerly Invitae), Labcorp and Athena Diagnostics); PubMed 27217339 (cited by 3 submitters); PubMed 30574063 (cited by Victorian Clinical Genetics Services, Murdoch Childrens Research Institute); PubMed 31589614 (cited by AiLife Diagnostics); PubMed 22237444 (cited by Athena Diagnostics); PubMed 39825153 (cited by Solve-RD Consortium).